The following is an entry in ClinVar:

ClinVar aggregate classification (germline): Likely pathogenic (1 of 4 stars; one submission).

Conditions:
Usher syndrome type 1 (USH1). Also called: RETINITIS PIGMENTOSA AND CONGENITAL DEAFNESS. Identifiers: Orphanet 231169, Orphanet 886, MedGen C1568247, MONDO:0010168, OMIM 276900.

Submission:

Myriad Genetics, Inc.
Classification: Likely pathogenic for Usher syndrome type 1. Last evaluated: 2019-09-29. Review status: criteria provided, single submitter. Criteria: Myriad Women's Health Autosomal Recessive and X-Linked Classification Criteria (2019). Collection method: clinical testing. Allele origin: unknown.
Comment: NM_000260.3(MYO7A):c.5701C>T(Q1901*) is expected to be pathogenic in the context of MYO7A-related disorders. This variant is predicted to lead to an abnormal or absent protein product due to the creation of a premature termination codon in MYO7A, a gene where loss-of-function variants are known to be pathogenic. Please note: this variant was assessed in the context of healthy population screening.

NM_000260.4(MYO7A):c.5701C>T (p.Gln1901Ter)

Gene: MYO7A (myosin VIIA; plus strand). Cytogenetic location: 11q13.5.
Variant type: single nucleotide variant.
Coding change: c.5701C>T on transcript NM_000260.4 (MANE Select); coding-DNA position 5701, C replaced by T.
Protein change: p.Gln1901Ter; replaces glutamine 1901 with a stop codon.
Molecular consequence: nonsense.
Genome position (GRCh38, 1-based): chr11:77,206,161, C>T. VCF-style: chr11-77206161-C-T. GRCh37 (hg19) VCF-style: chr11-76917206-C-T.
Other names: c.5587C>T, p.Gln1863Ter (NM_001127180.2); c.5554C>T, p.Gln1852Ter (NM_001369365.1); short protein forms Q1852*, Q1863*, Q1901*.
Identifiers: ClinVar variation 983822 (VCV000983822.3), dbSNP rs1406392019, ClinGen allele CA381953300.
Genomic context (GRCh38, chr11:77,206,161, plus strand): 5'-GGGTCCCGGAAGTACCCTCCGCACCTGGTGGAGGTGGAGGCCATCCAGCACAAGACCACC[C>T]AGATTTTCCACAAAGTCTACTTCCCTGATGACACTGACGAGGTGAGGGTCACCGGCTTCT-3'